The following is an entry in ClinVar:

NM_001164508.2(NEB):c.1674+1G>T

Gene: NEB (nebulin; minus strand). Cytogenetic location: 2q23.3.
Variant type: single nucleotide variant.
Coding change: c.1674+1G>T on transcript NM_001164508.2 (MANE Select); the canonical splice donor site of the intron after coding-DNA position 1674, G replaced by T.
Molecular consequence: splice donor variant.
Genome position (GRCh38, 1-based): chr2:151,695,577, C>A on the plus strand (G>T on the coding strand, the complement: NEB is on the minus strand). VCF-style: chr2-151695577-C-A. GRCh37 (hg19) VCF-style: chr2-152552091-C-A.
Other names: c.1674+1G>T (NM_004543.5, NM_001164507.2, NM_001271208.2).
Identifiers: ClinVar variation 554102 (VCV000554102.5), dbSNP rs750585238, ClinGen allele CA1911492.

ClinVar aggregate classification (germline): Pathogenic. Review status: criteria provided, single submitter (1 of 4 stars). 2 submissions from 2 submitters: Pathogenic (1). 1 of the submissions does not count toward it. Last evaluated 2023-06-02.

Conditions:
Nemaline myopathy 2 (NEM2). Also called: Nemaline myopathy 2, autosomal recessive. Identifiers: MedGen C1850569, MONDO:0009725, OMIM 256030.

Allele frequency attached by ClinVar (database versions not stated): gnomAD exomes below 0.00001 and 0.00001; TOPMed below 0.00001; gnomAD 0.00001; ExAC 0.00002.
gnomAD v4.1: 3 of 1,610,484 alleles (0.00019%); highest among the groups gnomAD compares: East Asian, 0.0045%; no homozygotes.

Submissions (2):

Labcorp Genetics (formerly Invitae), Labcorp
Classification: Pathogenic for Nemaline myopathy 2. Last evaluated: 2023-06-02. Review status: criteria provided, single submitter. Criteria: Invitae Variant Classification Sherloc (09022015). Collection method: clinical testing. Allele origin: germline.
Comment: Algorithms developed to predict the effect of sequence changes on RNA splicing suggest that this variant may disrupt the consensus splice site. ClinVar contains an entry for this variant (Variation ID: 554102). Disruption of this splice site has been observed in individuals with nemaline myopathy (PMID: 25205138). This variant is present in population databases (rs750585238, gnomAD 0.01%). This sequence change affects a donor splice site in intron 18 of the NEB gene. It is expected to disrupt RNA splicing. Variants that disrupt the donor or acceptor splice site typically lead to a loss of protein function (PMID: 16199547), and loss-of-function variants in NEB are known to be pathogenic (PMID: 25205138). For these reasons, this variant has been classified as Pathogenic.

Counsyl
Classification: Likely pathogenic for Nemaline myopathy 2. Last evaluated: 2017-09-26. Review status: no assertion criteria provided. Collection method: clinical testing. Allele origin: unknown. Not counted in ClinVar's aggregate classification.

Literature cited by the submitters: PubMed 25205138 (cited by Labcorp Genetics (formerly Invitae), Labcorp and Counsyl); PubMed 16199547 (cited by Labcorp Genetics (formerly Invitae), Labcorp).